The following is an entry in ClinVar:

NM_001042492.3(NF1):c.3131dup (p.Tyr1044Ter)

Gene: NF1 (neurofibromin 1; plus strand). Cytogenetic location: 17q11.2.
Variant type: Duplication.
Coding change: c.3131dup on transcript NM_001042492.3 (MANE Select); coding-DNA position 3131, one base duplicated (A; older notation c.3131dupA).
Protein change: p.Tyr1044Ter; replaces tyrosine 1044 with a stop codon.
Molecular consequence: nonsense. On other transcripts: frameshift variant (1).
Genome position (GRCh38, 1-based): chr17:31,230,859, A duplicated. VCF-style (leftmost placement, unchanged base first): chr17-31230858-T-TA. GRCh37 (hg19) VCF-style: chr17-29557876-T-TA.
Other names: c.3131dup, p.Tyr1044Terfs (NM_000267.4); short protein forms Y1044*.
Identifiers: ClinVar variation 2771712 (VCV002771712.3), dbSNP rs2508212733, ClinGen allele CA2697559778.
Genomic context (GRCh38, chr17:31,230,858, plus strand): 5'-CAAAAACATTGTTTGCTGTTTCTCTTTTCTCCACCATTCTATAGGAATAAGATGGTAGAA[T>TA]ACCTGACAGACTGGGTTATGGGAACATCAAACCAAGCAGCAGATGATGATGTAAAATGTC-3'

ClinVar aggregate classification (germline): Pathogenic (1 of 4 stars; one submission).

Conditions:
Neurofibromatosis, type 1 (NF1). Also called: VON RECKLINGHAUSEN DISEASE; Neurofibromatosis, type I; NEUROFIBROMATOSIS, TYPE I, SOMATIC; Peripheral type neurofibromatosis. Identifiers: Orphanet 636, MedGen C0027831, MONDO:0018975, OMIM 162200. Disease mechanism: loss of function.

Submission:

Labcorp Genetics (formerly Invitae), Labcorp
Classification: Pathogenic for Neurofibromatosis, type 1. Last evaluated: 2023-10-25. Review status: criteria provided, single submitter. Criteria: Invitae Variant Classification Sherloc (09022015). Collection method: clinical testing. Allele origin: germline.
Comment: This sequence change creates a premature translational stop signal (p.Tyr1044*) in the NF1 gene. It is expected to result in an absent or disrupted protein product. Loss-of-function variants in NF1 are known to be pathogenic (PMID: 10712197, 23913538). This variant is not present in population databases (gnomAD no frequency). This premature translational stop signal has been observed in individual(s) with clinical features of neurofibromatosis type 1 (PMID: 25325900). Algorithms developed to predict the effect of sequence changes on RNA splicing suggest that this variant may disrupt the consensus splice site. For these reasons, this variant has been classified as Pathogenic.

Literature cited by the submitters: PubMed 10712197; PubMed 23913538; PubMed 25325900.